The following is an entry in ClinVar:

ClinVar aggregate classification (germline): Uncertain significance (1 of 4 stars; one submission).

Submission:

Ambry Genetics
Classification: Uncertain significance. Last evaluated: 2024-06-30. Review status: criteria provided, single submitter. Criteria: Ambry Variant Classification Scheme 2023. Collection method: clinical testing. Allele origin: germline.
Comment: The p.I1416V variant (also known as c.4246A>G), located in coding exon 16 of the POLQ gene, results from an A to G substitution at nucleotide position 4246. The isoleucine at codon 1416 is replaced by valine, an amino acid with highly similar properties. This amino acid position is conserved. In addition, this alteration is predicted to be tolerated by in silico analysis. Based on the available evidence, the clinical significance of this variant remains unclear.

NM_199420.4(POLQ):c.4246A>G (p.Ile1416Val)

Gene: POLQ (DNA polymerase theta; minus strand). Cytogenetic location: 3q13.33.
Variant type: single nucleotide variant.
Coding change: c.4246A>G on transcript NM_199420.4 (MANE Select); coding-DNA position 4246, A replaced by G.
Protein change: p.Ile1416Val; replaces isoleucine 1416 with valine.
Molecular consequence: missense variant.
Genome position (GRCh38, 1-based): chr3:121,488,685, T>C on the plus strand (A>G on the coding strand, the complement: POLQ is on the minus strand). VCF-style: chr3-121488685-T-C. GRCh37 (hg19) VCF-style: chr3-121207532-T-C.
Other names: short protein forms I1416V.
Identifiers: ClinVar variation 3422425 (VCV003422425.1).